The following is an entry in ClinVar:

ClinVar aggregate classification (germline): Uncertain significance (1 of 4 stars; one submission).

Conditions:
Torsion dystonia 6 (DYT6). Also called: DYT-THAP1. Identifiers: Orphanet 98806, MedGen C1414216, MONDO:0011264, OMIM 602629.

Submission:

Labcorp Genetics (formerly Invitae), Labcorp
Classification: Uncertain significance for Torsion dystonia 6. Last evaluated: 2022-05-04. Review status: criteria provided, single submitter. Criteria: Invitae Variant Classification Sherloc (09022015). Collection method: clinical testing. Allele origin: germline.
Comment: This variant has not been reported in the literature in individuals affected with THAP1-related conditions. This variant is not present in population databases (gnomAD no frequency). This sequence change replaces leucine, which is neutral and non-polar, with isoleucine, which is neutral and non-polar, at codon 93 of the THAP1 protein (p.Leu93Ile). Algorithms developed to predict the effect of missense changes on protein structure and function (SIFT, PolyPhen-2, Align-GVGD) all suggest that this variant is likely to be tolerated. In summary, the available evidence is currently insufficient to determine the role of this variant in disease. Therefore, it has been classified as a Variant of Uncertain Significance.

NM_018105.3(THAP1):c.277C>A (p.Leu93Ile)

Gene: THAP1 (THAP domain containing 1; minus strand). Cytogenetic location: 8p11.21.
Variant type: single nucleotide variant.
Coding change: c.277C>A on transcript NM_018105.3 (MANE Select); coding-DNA position 277, C replaced by A.
Protein change: p.Leu93Ile; replaces leucine 93 with isoleucine.
Molecular consequence: missense variant. On other transcripts: synonymous variant (1).
Genome position (GRCh38, 1-based): chr8:42,838,327, G>T on the plus strand (C>A on the coding strand, the complement: THAP1 is on the minus strand). VCF-style: chr8-42838327-G-T. GRCh37 (hg19) VCF-style: chr8-42693470-G-T.
Other names: c.81C>A, p.Ile27= (NM_199003.2); short protein forms L93I.
Identifiers: ClinVar variation 2130570 (VCV002130570.4), dbSNP rs1802654145, ClinGen allele CA371107611.